The following is an entry in ClinVar:

ClinVar aggregate classification (germline): Uncertain significance (1 of 4 stars; one submission).

Conditions:
Hereditary cancer-predisposing syndrome. Also called: Hereditary neoplastic syndrome; Neoplastic Syndromes, Hereditary; Tumor predisposition; Hereditary Cancer Syndrome. Identifiers: Orphanet 140162, MedGen C0027672, MeSH D009386, MONDO:0015356.

Submission:

Ambry Genetics
Classification: Uncertain significance for Hereditary cancer-predisposing syndrome. Last evaluated: 2025-08-01. Review status: criteria provided, single submitter. Criteria: Ambry Variant Classification Scheme 2023. Collection method: clinical testing. Allele origin: germline.
Comment: The p.S2185C variant (also known as c.6553A>T), located in coding exon 15 of the APC gene, results from an A to T substitution at nucleotide position 6553. The serine at codon 2185 is replaced by cysteine, an amino acid with dissimilar properties. This amino acid position is conserved. In addition, in silico predictors for this gene do not accurately predict pathogenicity. Based on the available evidence, the clinical significance of this variant remains unclear.

NM_000038.6(APC):c.6553A>T (p.Ser2185Cys)

Gene: APC (APC regulator of Wnt signaling pathway; plus strand). Cytogenetic location: 5q22.2.
Variant type: single nucleotide variant.
Coding change: c.6553A>T on transcript NM_000038.6 (MANE Select); coding-DNA position 6553, A replaced by T.
Protein change: p.Ser2185Cys; replaces serine 2185 with cysteine.
Molecular consequence: missense variant. On other transcripts: non-coding transcript variant (2).
Genome position (GRCh38, 1-based): chr5:112,842,147, A>T. VCF-style: chr5-112842147-A-T. GRCh37 (hg19) VCF-style: chr5-112177844-A-T.
Other names: c.6553A>T, p.Ser2185Cys (NM_001127510.3, NM_001354895.2, NM_001407450.1); c.6499A>T, p.Ser2167Cys (NM_001127511.3); c.6607A>T, p.Ser2203Cys (NM_001354896.2, NM_001407447.1, NM_001407448.1 and 1 more transcripts); c.6583A>T, p.Ser2195Cys (NM_001354897.2); c.6478A>T, p.Ser2160Cys (NM_001354898.2); c.6469A>T, p.Ser2157Cys (NM_001354899.2); c.6430A>T, p.Ser2144Cys (NM_001354900.2); c.6376A>T, p.Ser2126Cys (NM_001354901.2, NM_001407453.1); and 11 more; short protein forms S2025C, S2094C, S2178C, S2213C, S1801C, S2056C, S2157C, S2195C.
Identifiers: ClinVar variation 4121232 (VCV004121232.1).